The following is an entry in ClinVar:

ClinVar aggregate classification (germline): Benign/Likely benign. Review status: criteria provided, multiple submitters, no conflicts (2 of 4 stars). 6 submissions from 6 submitters: Benign (2); Likely benign (2). 2 of the submissions do not count toward it. Last evaluated 2019-12-31.

Allele frequency attached by ClinVar (database versions not stated): ExAC 0.00499; gnomAD exomes 0.02786 and 0.07704; gnomAD 0.09012 and 0.09767; 1000 Genomes Project 30x 0.35525.

Submissions (6):

Labcorp Genetics (formerly Invitae), Labcorp
Classification: Benign. Last evaluated: 2019-12-31. Review status: criteria provided, single submitter. Criteria: Invitae Variant Classification Sherloc (09022015). Collection method: clinical testing. Allele origin: germline.

GeneDx
Classification: Benign. Last evaluated: 2018-11-10. Review status: criteria provided, single submitter. Criteria: GeneDx Variant Classification Process June 2021. Collection method: clinical testing. Allele origin: germline. Affected: yes.
Comment: This variant is associated with the following publications: (PMID: 26163426)

Genetic Services Laboratory, University of Chicago
Classification: Likely benign. Last evaluated: 2017-07-18. Review status: criteria provided, single submitter. Criteria: ACMG Guidelines, 2015. Collection method: clinical testing. Allele origin: germline. Affected: no.

Breakthrough Genomics
Classification: Likely benign. Review status: criteria provided, single submitter. Criteria: ACMG Guidelines, 2015. Collection method: not provided. Allele origin: germline. Inheritance: Autosomal recessive inheritance. Affected: yes.

Genome Diagnostics Laboratory, University Medical Center Utrecht
Classification: Benign. Review status: no assertion criteria provided. Collection method: clinical testing. Allele origin: germline. Affected: yes. Study: VKGL Data-share Consensus. Not counted in ClinVar's aggregate classification.

Joint Genome Diagnostic Labs from Nijmegen and Maastricht, Radboudumc and MUMC+
Classification: Likely benign. Review status: no assertion criteria provided. Collection method: clinical testing. Allele origin: germline. Affected: yes. Study: VKGL Data-share Consensus. Not counted in ClinVar's aggregate classification.

NM_021023.6(CFHR3):c.721C>T (p.Pro241Ser)

Gene: CFHR3 (complement factor H related 3; plus strand). Cytogenetic location: 1q31.3.
Variant type: single nucleotide variant.
Coding change: c.721C>T on transcript NM_021023.6 (MANE Select); coding-DNA position 721, C replaced by T.
Protein change: p.Pro241Ser; replaces proline 241 with serine.
Molecular consequence: missense variant.
Genome position (GRCh38, 1-based): chr1:196,790,152, C>T. VCF-style: chr1-196790152-C-T. GRCh37 (hg19) VCF-style: chr1-196759282-C-T.
Other names: c.538C>T, p.Pro180Ser (NM_001166624.2); short protein forms P180S, P241S.
Identifiers: ClinVar variation 778240 (VCV000778240.14), dbSNP rs138675433, ClinGen allele CA1306258.
Genomic context (GRCh38, chr1:196,790,152, plus strand): 5'-ACCACCTCCTTTCTACTAAAAGTGTATGTGCCACAGTCAAGAGTCGAGTACCAATGCCAG[C>T]CCTACTATGAACTTCAGGGTTCTAATTATGTAACATGTAGTAATGGAGAGTGGTCGGAAC-3'
Protein context (NP_066303.2, residues 231-251): PQSRVEYQCQ[Pro241Ser]YYELQGSNYV